The following is an entry in ClinVar:

NM_024675.4(PALB2):c.1702C>A (p.Gln568Lys)

Gene: PALB2 (partner and localizer of BRCA2; minus strand). Cytogenetic location: 16p12.2.
Variant type: single nucleotide variant.
Coding change: c.1702C>A on transcript NM_024675.4 (MANE Select); coding-DNA position 1702, C replaced by A.
Protein change: p.Gln568Lys; replaces glutamine 568 with lysine.
Molecular consequence: missense variant.
Genome position (GRCh38, 1-based): chr16:23,630,452, G>T on the plus strand (C>A on the coding strand, the complement: PALB2 is on the minus strand). VCF-style: chr16-23630452-G-T. GRCh37 (hg19) VCF-style: chr16-23641773-G-T.
Other names: short protein forms Q568K.
Identifiers: ClinVar variation 231775 (VCV000231775.24), dbSNP rs876659354, ClinGen allele CA10580001.
Genomic context (GRCh38, chr16:23,630,452, plus strand): 5'-AAGCATCATCATCCAAGGATAAATAAGCACTATTACTCCAAGAAAGGGAATCCTCTTTTT[G>T]ATGACGACTTTTCTTCCCTAAAGAAGAAAAATAAGTCACAAAATAGTAACAAAACCCAAC-3'
Protein context (NP_078951.2, residues 558-578): IQVKGKKSRH[Gln568Lys]KEDSLSWSNS

ClinVar aggregate classification (germline): Conflicting classifications of pathogenicity. Review status: criteria provided, conflicting classifications (1 of 4 stars). 7 submissions from 7 submitters: Uncertain significance (5); Likely benign (1). 1 of the submissions does not count toward it. Last evaluated 2025-05-21.

Conditions:
Hereditary cancer-predisposing syndrome. Also called: Hereditary Cancer Syndrome; Neoplastic Syndromes, Hereditary; Tumor predisposition; Hereditary neoplastic syndrome. Identifiers: Orphanet 140162, MedGen C0027672, MeSH D009386, MONDO:0015356.
PALB2-related disorder. Also called: PALB2-related condition; PALB2-related disorders.
Fanconi anemia complementation group N. Also called: PALB2-Related Fanconi Anemia. Identifiers: Orphanet 84, MedGen C1835817, MONDO:0012565, OMIM 610832. Disease mechanism: loss of function.
Pancreatic cancer, susceptibility to, 3. Identifiers: Orphanet 1333, MedGen C3150547, MONDO:0013236, OMIM 613348.
Familial cancer of breast. Also called: Hereditary breast cancer; hereditary breast carcinoma; BREAST CANCER, FAMILIAL. Identifiers: Orphanet 227535, MedGen C0346153, MONDO:0016419, OMIM 114480. Disease mechanism: loss of function.

Submissions (7):

Ambry Genetics
Classification: Likely benign for Hereditary cancer-predisposing syndrome. Last evaluated: 2025-05-21. Review status: criteria provided, single submitter. Criteria: Ambry Variant Classification Scheme 2023. Collection method: clinical testing. Allele origin: germline.

Labcorp Genetics (formerly Invitae), Labcorp
Classification: Uncertain significance for Familial cancer of breast. Last evaluated: 2025-04-17. Review status: criteria provided, single submitter. Criteria: Invitae Variant Classification Sherloc (09022015). Collection method: clinical testing. Allele origin: germline.
Comment: This sequence change replaces glutamine, which is neutral and polar, with lysine, which is basic and polar, at codon 568 of the PALB2 protein (p.Gln568Lys). This variant is not present in population databases (gnomAD no frequency). This variant has not been reported in the literature in individuals affected with PALB2-related conditions. ClinVar contains an entry for this variant (Variation ID: 231775). Invitae Evidence Modeling of protein sequence and biophysical properties (such as structural, functional, and spatial information, amino acid conservation, physicochemical variation, residue mobility, and thermodynamic stability) indicates that this missense variant is not expected to disrupt PALB2 protein function with a negative predictive value of 80%. In summary, the available evidence is currently insufficient to determine the role of this variant in disease. Therefore, it has been classified as a Variant of Uncertain Significance.

Women's Health and Genetics/Laboratory Corporation of America, LabCorp
Classification: Uncertain significance. Last evaluated: 2024-07-15. Review status: criteria provided, single submitter. Criteria: LabCorp Variant Classification Summary - May 2015. Collection method: clinical testing. Allele origin: germline.

Baylor Genetics
Classification: Uncertain significance for Familial cancer of breast. Last evaluated: 2023-07-12. Review status: criteria provided, single submitter. Criteria: ACMG Guidelines, 2015. Collection method: clinical testing. Allele origin: unknown.

Fulgent Genetics
Classification: Uncertain significance for Familial cancer of breast; Fanconi anemia complementation group N; Pancreatic cancer, susceptibility to, 3. Last evaluated: 2022-05-10. Review status: criteria provided, single submitter. Criteria: ACMG Guidelines, 2015. Collection method: clinical testing. Allele origin: unknown.

Color Diagnostics, LLC DBA Color Health
Classification: Uncertain significance for Hereditary cancer-predisposing syndrome. Last evaluated: 2019-02-08. Review status: criteria provided, single submitter. Criteria: ACMG Guidelines, 2015. Collection method: clinical testing. Allele origin: germline.

PreventionGenetics, part of Exact Sciences
Classification: Uncertain significance for PALB2-related condition. Last evaluated: 2023-11-22. Review status: no assertion criteria provided. Collection method: clinical testing. Allele origin: germline. Not counted in ClinVar's aggregate classification.
Comment: The PALB2 c.1702C>A variant is predicted to result in the amino acid substitution p.Gln568Lys. To our knowledge, this variant has not been reported in the literature or in a large population database, indicating this variant is rare. It is interpreted as uncertain significance in ClinVar. At this time, the clinical significance of this variant is uncertain due to the absence of conclusive functional and genetic evidence.